The following is an entry in ClinVar:

ClinVar aggregate classification (germline): Uncertain significance (1 of 4 stars; one submission).

Conditions:
Nemaline myopathy 2 (NEM2). Also called: Nemaline myopathy 2, autosomal recessive. Identifiers: MedGen C1850569, MONDO:0009725, OMIM 256030.

Allele frequency attached by ClinVar (database versions not stated): gnomAD exomes below 0.00001; TOPMed below 0.00001.
gnomAD v4.1: 3 of 1,613,636 alleles (0.00019%); highest among the groups gnomAD compares: African/African-American, 0.0027%; no homozygotes.

Submission:

Labcorp Genetics (formerly Invitae), Labcorp
Classification: Uncertain significance for Nemaline myopathy 2. Last evaluated: 2022-06-20. Review status: criteria provided, single submitter. Criteria: Invitae Variant Classification Sherloc (09022015). Collection method: clinical testing. Allele origin: germline.
Comment: This sequence change replaces isoleucine, which is neutral and non-polar, with threonine, which is neutral and polar, at codon 8505 of the NEB protein (p.Ile8505Thr). This variant is present in population databases (no rsID available, gnomAD 0.0009%). This variant has not been reported in the literature in individuals affected with NEB-related conditions. Algorithms developed to predict the effect of missense changes on protein structure and function output the following: SIFT: "Tolerated"; PolyPhen-2: "Not Available"; Align-GVGD: "Class C0". The threonine amino acid residue is found in multiple mammalian species, which suggests that this missense change does not adversely affect protein function. In summary, the available evidence is currently insufficient to determine the role of this variant in disease. Therefore, it has been classified as a Variant of Uncertain Significance.

NM_001164508.2(NEB):c.25409T>C (p.Ile8470Thr)

Genes: NEB (nebulin; minus strand), RIF1 (replication timing regulatory factor 1; plus strand). Cytogenetic location: 2q23.3.
Variant type: single nucleotide variant.
Coding change: c.25409T>C on transcript NM_001164508.2 (MANE Select); coding-DNA position 25409, T replaced by C.
Protein change: p.Ile8470Thr; replaces isoleucine 8470 with threonine.
Molecular consequence: missense variant.
Genome position (GRCh38, 1-based): chr2:151,485,929, A>G on the plus strand (T>C on the coding strand, the complement: NEB is on the minus strand). VCF-style: chr2-151485929-A-G. GRCh37 (hg19) VCF-style: chr2-152342443-A-G.
Other names: c.25409T>C, p.Ile8470Thr (NM_001164507.2); c.25514T>C, p.Ile8505Thr (NM_001271208.2); c.19841T>C, p.Ile6614Thr (NM_004543.5); short protein forms I8470T, I6614T, I8505T.
Identifiers: ClinVar variation 1495367 (VCV001495367.5), dbSNP rs1280701887, ClinGen allele CA348770140.